The following is an entry in ClinVar:

ClinVar aggregate classification (germline): Uncertain significance (1 of 4 stars; one submission).

gnomAD v4.1: 1 of 1,612,082 alleles (0.000062%); highest among the groups gnomAD compares: South Asian, 0.0011%; no homozygotes.

Submission:

Labcorp Genetics (formerly Invitae), Labcorp
Classification: Uncertain significance. Last evaluated: 2024-02-24. Review status: criteria provided, single submitter. Criteria: Invitae Variant Classification Sherloc (09022015). Collection method: clinical testing. Allele origin: germline.
Comment: This sequence change replaces proline, which is neutral and non-polar, with threonine, which is neutral and polar, at codon 464 of the GABRA2 protein (p.Pro464Thr). This variant is not present in population databases (gnomAD no frequency). This variant has not been reported in the literature in individuals affected with GABRA2-related conditions. ClinVar contains an entry for this variant (Variation ID: 2105415). Experimental studies and prediction algorithms are not available or were not evaluated, and the functional significance of this variant is currently unknown. In summary, the available evidence is currently insufficient to determine the role of this variant in disease. Therefore, it has been classified as a Variant of Uncertain Significance.

NM_000807.4(GABRA2):c.1210C>A (p.Pro404Thr)

Gene: GABRA2 (gamma-aminobutyric acid type A receptor subunit alpha2; minus strand). Cytogenetic location: 4p12.
Variant type: single nucleotide variant.
Coding change: c.1210C>A on transcript NM_000807.4 (MANE Select); coding-DNA position 1210, C replaced by A.
Protein change: p.Pro404Thr; replaces proline 404 with threonine.
Molecular consequence: missense variant.
Genome position (GRCh38, 1-based): chr4:46,250,454, G>T on the plus strand (C>A on the coding strand, the complement: GABRA2 is on the minus strand). VCF-style: chr4-46250454-G-T. GRCh37 (hg19) VCF-style: chr4-46252471-G-T.
Other names: c.1210C>A, p.Pro404Thr (NM_001114175.3, NM_001377146.1, NM_001377147.1 and 4 more transcripts); c.1225C>A, p.Pro409Thr (NM_001286827.3); c.1390C>A, p.Pro464Thr (NM_001330690.2, NM_001377144.1, NM_001377145.1); c.1045C>A, p.Pro349Thr (NM_001377152.1, NM_001377153.1, NM_001377154.1); short protein forms P404T, P464T, P349T, P409T.
Identifiers: ClinVar variation 2105415 (VCV002105415.4), dbSNP rs2475198292, ClinGen allele CA356802419.
Genomic context (GRCh38, chr4:46,250,454, plus strand): 5'-CTATTCTGGACATTCTGTCAATTTTGCTAACACTGTTGAAAGTTTTCTTTGCTTCAGCTG[G>T]CTTGTTTTCTGGCTTCTTGTTGGGTTCTGGCGTGGTTGCACTCTTGGAGATGGTGGAGAG-3'
Protein context (NP_000798.2, residues 394-414): PEPNKKPENK[Pro404Thr]AEAKKTFNSV